The following is an entry in ClinVar:

NM_001142800.2(EYS):c.5414A>G (p.Gln1805Arg)

Gene: EYS (EGF-like photoreceptor maintenance factor; minus strand). Cytogenetic location: 6q12.
Variant type: single nucleotide variant.
Coding change: c.5414A>G on transcript NM_001142800.2 (MANE Select); coding-DNA position 5414, A replaced by G.
Protein change: p.Gln1805Arg; replaces glutamine 1805 with arginine.
Molecular consequence: missense variant.
Genome position (GRCh38, 1-based): chr6:64,590,453, T>C on the plus strand (A>G on the coding strand, the complement: EYS is on the minus strand). VCF-style: chr6-64590453-T-C. GRCh37 (hg19) VCF-style: chr6-65300346-T-C.
Other names: c.5414A>G, p.Gln1805Arg (NM_001292009.2); short protein forms Q1805R.
Identifiers: ClinVar variation 2108464 (VCV002108464.4), dbSNP rs2533149426, ClinGen allele CA364781162.

ClinVar aggregate classification (germline): Uncertain significance (1 of 4 stars; one submission).

Submission:

Labcorp Genetics (formerly Invitae), Labcorp
Classification: Uncertain significance. Last evaluated: 2022-03-19. Review status: criteria provided, single submitter. Criteria: Invitae Variant Classification Sherloc (09022015). Collection method: clinical testing. Allele origin: germline.
Comment: Algorithms developed to predict the effect of missense changes on protein structure and function are either unavailable or do not agree on the potential impact of this missense change (SIFT: "Tolerated"; PolyPhen-2: "Possibly Damaging"; Align-GVGD: "Class C0"). This variant has not been reported in the literature in individuals affected with EYS-related conditions. This variant is not present in population databases (gnomAD no frequency). This sequence change replaces glutamine, which is neutral and polar, with arginine, which is basic and polar, at codon 1805 of the EYS protein (p.Gln1805Arg). In summary, the available evidence is currently insufficient to determine the role of this variant in disease. Therefore, it has been classified as a Variant of Uncertain Significance.